The following is an entry in ClinVar:

NM_014334.4(FRRS1L):c.73G>A (p.Ala25Thr)

Gene: FRRS1L (ferric chelate reductase 1 like; minus strand). Cytogenetic location: 9q31.3.
Variant type: single nucleotide variant.
Coding change: c.73G>A on transcript NM_014334.4 (MANE Select); coding-DNA position 73, G replaced by A.
Protein change: p.Ala25Thr; replaces alanine 25 with threonine.
Molecular consequence: missense variant.
Genome position (GRCh38, 1-based): chr9:109,167,066, C>T on the plus strand (G>A on the coding strand, the complement: FRRS1L is on the minus strand). VCF-style: chr9-109167066-C-T. GRCh37 (hg19) VCF-style: chr9-111929346-C-T.
Other names: short protein forms A25T.
Identifiers: ClinVar variation 963967 (VCV000963967.8), dbSNP rs1831563878, ClinGen allele CA374430559.

ClinVar aggregate classification (germline): Uncertain significance (1 of 4 stars; one submission).

Conditions:
Developmental and epileptic encephalopathy, 37 (DEE37). Also called: Epileptic encephalopathy, early infantile, 37. Identifiers: MedGen C4310770, MONDO:0014859, OMIM 616981.

Submission:

Labcorp Genetics (formerly Invitae), Labcorp
Classification: Uncertain significance for Developmental and epileptic encephalopathy, 37. Last evaluated: 2024-05-15. Review status: criteria provided, single submitter. Criteria: Invitae Variant Classification Sherloc (09022015). Collection method: clinical testing. Allele origin: germline.
Comment: This sequence change replaces alanine, which is neutral and non-polar, with threonine, which is neutral and polar, at codon 76 of the FRRS1L protein (p.Ala76Thr). The frequency data for this variant in the population databases is considered unreliable, as metrics indicate insufficient coverage at this position in the gnomAD database. This variant has not been reported in the literature in individuals affected with FRRS1L-related conditions. ClinVar contains an entry for this variant (Variation ID: 963967). Algorithms developed to predict the effect of missense changes on protein structure and function output the following: SIFT: "Not Available"; PolyPhen-2: "Possibly Damaging"; Align-GVGD: "Not Available". The threonine amino acid residue is found in multiple mammalian species, which suggests that this missense change does not adversely affect protein function. In summary, the available evidence is currently insufficient to determine the role of this variant in disease. Therefore, it has been classified as a Variant of Uncertain Significance.